The following is an entry in ClinVar:

NM_002473.6(MYH9):c.5644G>A (p.Ala1882Thr)

Gene: MYH9 (myosin heavy chain 9; minus strand). Cytogenetic location: 22q12.3.
Variant type: single nucleotide variant.
Coding change: c.5644G>A on transcript NM_002473.6 (MANE Select); coding-DNA position 5644, G replaced by A.
Protein change: p.Ala1882Thr; replaces alanine 1882 with threonine.
Molecular consequence: missense variant.
Genome position (GRCh38, 1-based): chr22:36,284,214, C>T on the plus strand (G>A on the coding strand, the complement: MYH9 is on the minus strand). VCF-style: chr22-36284214-C-T. GRCh37 (hg19) VCF-style: chr22-36680260-C-T.
Other names: short protein forms A1882T.
Identifiers: ClinVar variation 2865321 (VCV002865321.3), dbSNP rs1355600745, ClinGen allele CA411372705.

ClinVar aggregate classification (germline): Uncertain significance (1 of 4 stars; one submission).

Allele frequency attached by ClinVar (database versions not stated): TOPMed below 0.00001; gnomAD 0.00001; gnomAD exomes 0.00001.
gnomAD v4.1: 12 of 1,613,022 alleles (0.00074%); highest among the groups gnomAD compares: Non-Finnish European, 0.00093%; no homozygotes.

Submission:

Labcorp Genetics (formerly Invitae), Labcorp
Classification: Uncertain significance. Last evaluated: 2023-05-17. Review status: criteria provided, single submitter. Criteria: Invitae Variant Classification Sherloc (09022015). Collection method: clinical testing. Allele origin: germline.
Comment: This variant has not been reported in the literature in individuals affected with MYH9-related conditions. In summary, the available evidence is currently insufficient to determine the role of this variant in disease. Therefore, it has been classified as a Variant of Uncertain Significance. Advanced modeling of protein sequence and biophysical properties (such as structural, functional, and spatial information, amino acid conservation, physicochemical variation, residue mobility, and thermodynamic stability) performed at Invitae indicates that this missense variant is not expected to disrupt MYH9 protein function. This variant is not present in population databases (gnomAD no frequency). This sequence change replaces alanine, which is neutral and non-polar, with threonine, which is neutral and polar, at codon 1882 of the MYH9 protein (p.Ala1882Thr).